The following is an entry in ClinVar:

ClinVar aggregate classification (germline): Uncertain significance (1 of 4 stars; one submission).

Conditions:
Mitochondrial DNA depletion syndrome 13. Also called: FBXL4-Related Encephalomyopathic Mitochondrial DNA Depletion Syndrome; Mitochondrial DNA depletion syndrome 13 (encephalomyopathic type). Identifiers: Orphanet 369897, MedGen C3809592, MONDO:0014198, OMIM 615471.

Allele frequency attached by ClinVar (database versions not stated): gnomAD exomes 0.00001; ExAC 0.00002.
gnomAD v4.1: 2 of 1,614,080 alleles (0.00012%); highest among the groups gnomAD compares: East Asian, 0.0022%; no homozygotes.

Submission:

Wong Mito Lab, Molecular and Human Genetics, Baylor College of Medicine
Classification: Uncertain significance for Mitochondrial DNA depletion syndrome 13. Last evaluated: 2017-08-10. Review status: criteria provided, single submitter. Criteria: ACMG Guidelines, 2015. Collection method: reference population. Allele origin: germline.
Comment: The NM_012160.4:c.1508G>T (NP_036292.2:p.Gly503Val) [GRCH38: NC_000006.12:g.98875609C>A] variant in FBXL4 gene is interpretated to be a Uncertain Significance - Insufficient Evidence based on ACMG guidelines (PMID: 25741868). This variant meets one or more of the following evidence codes reported in the ACMG-guideline. PM2:This variant is absent in key population databases. PP3:Computational evidence/predictors indicate the variant has deleterious effect on FBXL4 structure, function, or protein-protein interaction. Based on this evidence code ClinGen Pathogenicity Calculator (PMID:28081714) suggested that the variant is Uncertain Significance - Insufficient Evidence.

NM_001278716.2(FBXL4):c.1508G>T (p.Gly503Val)

Gene: FBXL4 (F-box and leucine rich repeat protein 4; minus strand). Cytogenetic location: 6q16.1.
Variant type: single nucleotide variant.
Coding change: c.1508G>T on transcript NM_001278716.2 (MANE Select); coding-DNA position 1508, G replaced by T.
Protein change: p.Gly503Val; replaces glycine 503 with valine.
Molecular consequence: missense variant. On other transcripts: non-coding transcript variant (1).
Genome position (GRCh38, 1-based): chr6:98,875,609, C>A on the plus strand (G>T on the coding strand, the complement: FBXL4 is on the minus strand). VCF-style: chr6-98875609-C-A. GRCh37 (hg19) VCF-style: chr6-99323485-C-A.
Other names: c.1508G>T, p.Gly503Val (NM_012160.5); short protein forms G503V.
Identifiers: ClinVar variation 437763 (VCV000437763.1), dbSNP rs747431408, ClinGen allele CA3933432.